The following is an entry in ClinVar:

NM_015295.3(SMCHD1):c.993C>G (p.His331Gln)

Gene: SMCHD1 (structural maintenance of chromosomes flexible hinge domain containing 1; plus strand). Cytogenetic location: 18p11.32.
Variant type: single nucleotide variant.
Coding change: c.993C>G on transcript NM_015295.3 (MANE Select); coding-DNA position 993, C replaced by G.
Protein change: p.His331Gln; replaces histidine 331 with glutamine.
Molecular consequence: missense variant.
Genome position (GRCh38, 1-based): chr18:2,694,646, C>G. VCF-style: chr18-2694646-C-G. GRCh37 (hg19) VCF-style: chr18-2694644-C-G.
Other names: short protein forms H331Q.
Identifiers: ClinVar variation 2789861 (VCV002789861.3), dbSNP rs1425400740, ClinGen allele CA401694917.

ClinVar aggregate classification (germline): Uncertain significance (1 of 4 stars; one submission).

Conditions:
Facioscapulohumeral muscular dystrophy 2 (FSHD2). Also called: MUSCULAR DYSTROPHY, FACIOSCAPULOHUMERAL, TYPE 1B; FACIOSCAPULOHUMERAL MUSCULAR DYSTROPHY 2, DIGENIC; FSHD2, DIGENIC. Identifiers: Orphanet 269, MedGen C1834671, MONDO:0008031, OMIM 158901.

Submission:

Labcorp Genetics (formerly Invitae), Labcorp
Classification: Uncertain significance for Facioscapulohumeral muscular dystrophy 2. Last evaluated: 2024-02-16. Review status: criteria provided, single submitter. Criteria: Invitae Variant Classification Sherloc (09022015). Collection method: clinical testing. Allele origin: germline.
Comment: This sequence change replaces histidine, which is basic and polar, with glutamine, which is neutral and polar, at codon 331 of the SMCHD1 protein (p.His331Gln). This variant is not present in population databases (gnomAD no frequency). This variant has not been reported in the literature in individuals affected with SMCHD1-related conditions. Advanced modeling of protein sequence and biophysical properties (such as structural, functional, and spatial information, amino acid conservation, physicochemical variation, residue mobility, and thermodynamic stability) performed at Invitae indicates that this missense variant is expected to disrupt SMCHD1 protein function with a positive predictive value of 80%. In summary, the available evidence is currently insufficient to determine the role of this variant in disease. Therefore, it has been classified as a Variant of Uncertain Significance.